The following is an entry in ClinVar:

NM_007294.4(BRCA1):c.5133dup (p.Trp1712fs)

Gene: BRCA1 (BRCA1 DNA repair associated; minus strand). Cytogenetic location: 17q21.31.
Variant type: Duplication.
Coding change: c.5133dup on transcript NM_007294.4 (MANE Select); coding-DNA position 5133, one base duplicated (A; older notation c.5133dupA).
Protein change: p.Trp1712fs; shifts the reading frame from tryptophan 1712.
Molecular consequence: frameshift variant. On other transcripts: non-coding transcript variant (1).
Genome position (GRCh38, 1-based): chr17:43,063,893, T duplicated on the plus strand (A on the coding strand, the reverse complement: BRCA1 is on the minus strand); the first of 4 consecutive T bases (chr17:43,063,893-43,063,896); duplicating any one gives the same sequence. VCF-style (leftmost placement, unchanged base first): chr17-43063892-A-AT. GRCh37 (hg19) VCF-style: chr17-41215909-A-AT.
Other names: c.5133dupA (NM_007294.3); c.4917dup, p.Trp1641Metfs (NM_001407571.1, NM_001407894.1, NM_001407895.1 and 12 more transcripts); c.5196dup, p.Trp1734Metfs (NM_001407581.1, NM_001407582.1); c.5193dup, p.Trp1733Metfs (NM_001407583.1, NM_001407585.1, NM_001407587.1); c.5190dup, p.Trp1732Metfs (NM_001407590.1, NM_001407591.1); c.5130dup, p.Trp1712Metfs (NM_001407593.1, NM_001407594.1, NM_001407596.1 and 7 more transcripts); c.5127dup, p.Trp1711Metfs (NM_001407610.1, NM_001407611.1, NM_001407612.1 and 17 more transcripts); c.5124dup, p.Trp1710Metfs (NM_001407627.1, NM_001407628.1, NM_001407629.1 and 14 more transcripts); and 75 more; short protein forms W1665fs, W1733fs, W608fs, W1712fs.
Identifiers: ClinVar variation 254463 (VCV000254463.3), dbSNP rs730880288, ClinGen allele CA10586603.

ClinVar aggregate classification (germline): Pathogenic (3 of 4 stars; one submission).

Conditions:
Breast-ovarian cancer, familial, susceptibility to, 1 (BROVCA1). Also called: BRCA1 Hereditary Breast and Ovarian Cancer; OVARIAN CANCER, SUSCEPTIBILITY TO. Identifiers: Orphanet 145, MedGen C2676676, MONDO:0011450, OMIM 604370. Disease mechanism: loss of function.

Submission:

Evidence-based Network for the Interpretation of Germline Mutant Alleles (ENIGMA)
Classification: Pathogenic for Breast-ovarian cancer, familial, susceptibility to, 1. Last evaluated: 2016-09-08. Review status: reviewed by expert panel. Criteria: ENIGMA BRCA1/2 Classification Criteria (2015). Collection method: curation. Allele origin: germline.
Comment: Variant allele predicted to encode a truncated non-functional protein.